The following is an entry in ClinVar:

NM_002691.4(POLD1):c.758+3A>G

Gene: POLD1 (DNA polymerase delta 1, catalytic subunit; plus strand). Cytogenetic location: 19q13.33.
Variant type: single nucleotide variant.
Coding change: c.758+3A>G on transcript NM_002691.4 (MANE Select); 3 bases into the intron after coding-DNA position 758, A replaced by G.
Molecular consequence: intron variant.
Genome position (GRCh38, 1-based): chr19:50,402,376, A>G. VCF-style: chr19-50402376-A-G. GRCh37 (hg19) VCF-style: chr19-50905633-A-G.
Other names: c.758+3A>G (NM_001256849.1, NM_001308632.1).
Identifiers: ClinVar variation 1498243 (VCV001498243.6), dbSNP rs2122247168, ClinGen allele CA2573156549.

ClinVar aggregate classification (germline): Uncertain significance (1 of 4 stars; one submission).

Conditions:
POLD1-related polyposis and colorectal cancer syndrome (CRCS10). Also called: Colorectal cancer 10; COLORECTAL CANCER, SUSCEPTIBILITY TO, ON CHROMOSOME 19q; Colorectal cancer, susceptibility to, 10. Identifiers: Orphanet 220460, MedGen C2675481, MONDO:0012953, OMIM 612591.

Allele frequency attached by ClinVar (database versions not stated): gnomAD exomes below 0.00001.
gnomAD v4.1: 1 of 1,612,986 alleles (0.000062%); highest among the groups gnomAD compares: Non-Finnish European, 0.000085%; no homozygotes.

Submission:

Labcorp Genetics (formerly Invitae), Labcorp
Classification: Uncertain significance for POLD1-related polyposis and colorectal cancer syndrome. Last evaluated: 2022-11-28. Review status: criteria provided, single submitter. Criteria: Invitae Variant Classification Sherloc (09022015). Collection method: clinical testing. Allele origin: germline.
Comment: This variant is not present in population databases (gnomAD no frequency). This variant has not been reported in the literature in individuals affected with POLD1-related conditions. ClinVar contains an entry for this variant (Variation ID: 1498243). Variants that disrupt the consensus splice site are a relatively common cause of aberrant splicing (PMID: 17576681, 9536098). Algorithms developed to predict the effect of sequence changes on RNA splicing suggest that this variant is not likely to affect RNA splicing. In summary, the available evidence is currently insufficient to determine the role of this variant in disease. Therefore, it has been classified as a Variant of Uncertain Significance. This sequence change falls in intron 6 of the POLD1 gene. It does not directly change the encoded amino acid sequence of the POLD1 protein. It affects a nucleotide within the consensus splice site.

Literature cited by the submitters: PubMed 17576681; PubMed 9536098.